The following is an entry in ClinVar:

NM_017547.4(FOXRED1):c.196G>A (p.Val66Met)

Gene: FOXRED1 (FAD dependent oxidoreductase domain containing 1; plus strand). Cytogenetic location: 11q24.2.
Variant type: single nucleotide variant.
Coding change: c.196G>A on transcript NM_017547.4 (MANE Select); coding-DNA position 196, G replaced by A.
Protein change: p.Val66Met; replaces valine 66 with methionine.
Molecular consequence: missense variant. On other transcripts: 5 prime UTR variant (5), non-coding transcript variant (2), intron variant (3).
Genome position (GRCh38, 1-based): chr11:126,271,547, G>A. VCF-style: chr11-126271547-G-A. GRCh37 (hg19) VCF-style: chr11-126141442-G-A.
Other names: c.196G>A, p.Val66Met (NM_001425160.1, NM_001425161.1, NM_001425163.1 and 4 more transcripts); c.-335G>A (NM_001425169.1); c.-315G>A (NM_001425170.1); c.-362G>A (NM_001425171.1); c.-343G>A (NM_001425174.1, NM_001425175.1); c.-204-1422G>A (NM_001425168.1); c.-251-1422G>A (NM_001425172.1); c.-232-1422G>A (NM_001425173.1); short protein forms V66M.
Identifiers: ClinVar variation 3516926 (VCV003516926.2).

ClinVar aggregate classification (germline): Uncertain significance. Review status: criteria provided, multiple submitters, no conflicts (2 of 4 stars). 2 submissions from 2 submitters: Uncertain significance (2). Last evaluated 2024-11-21.

Conditions:
Inborn genetic diseases. Identifiers: MedGen C0950123, MeSH D030342.

gnomAD v4.1: 5 of 1,614,232 alleles (0.00031%); highest among the groups gnomAD compares: Non-Finnish European, 0.00034%; no homozygotes.

Submissions (2):

Ambry Genetics
Classification: Uncertain significance for Inborn genetic diseases. Last evaluated: 2024-11-21. Review status: criteria provided, single submitter. Criteria: Ambry Variant Classification Scheme 2023. Collection method: clinical testing. Allele origin: germline.

GeneDx
Classification: Uncertain significance. Last evaluated: 2024-09-05. Review status: criteria provided, single submitter. Criteria: GeneDx Variant Classification Process June 2021. Collection method: clinical testing. Allele origin: germline. Affected: yes.
Comment: Not observed at significant frequency in large population cohorts (gnomAD); In silico analysis indicates that this missense variant does not alter protein structure/function; Has not been previously published as pathogenic or benign to our knowledge